The following is an entry in ClinVar:

ClinVar aggregate classification (germline): Uncertain significance (1 of 4 stars; one submission).

gnomAD v4.1: 4 of 1,536,970 alleles (0.00026%); highest among the groups gnomAD compares: Middle Eastern, 0.033%; no homozygotes.

Submission:

Ambry Genetics
Classification: Uncertain significance. Last evaluated: 2026-03-17. Review status: criteria provided, single submitter. Criteria: Ambry Variant Classification Scheme 2023. Collection method: clinical testing. Allele origin: germline.
Comment: The c.2676G>C (p.R892S) alteration is located in exon 12 (coding exon 11) of the IGFN1 gene. This alteration results from a G to C substitution at nucleotide position 2676, causing the arginine (R) at amino acid position 892 to be replaced by a serine (S). Based on data from gnomAD, the C allele has an overall frequency of 0.001% (1/141714) total alleles studied. The highest observed frequency was 0.002% (1/58224) of European (non-Finnish) alleles. Based on insufficient or conflicting evidence, the clinical significance of this alteration remains unclear.

NM_001164586.2(IGFN1):c.2676G>C (p.Arg892Ser)

Gene: IGFN1 (immunoglobulin like and fibronectin type III domain containing 1; plus strand). Cytogenetic location: 1q32.1.
Variant type: single nucleotide variant.
Coding change: c.2676G>C on transcript NM_001164586.2 (MANE Select); coding-DNA position 2676, G replaced by C.
Protein change: p.Arg892Ser; replaces arginine 892 with serine.
Molecular consequence: missense variant. On other transcripts: intron variant (1).
Genome position (GRCh38, 1-based): chr1:201,207,569, G>C. VCF-style: chr1-201207569-G-C. GRCh37 (hg19) VCF-style: chr1-201176697-G-C.
Other names: c.1241+1435G>C (NM_001367841.1); short protein forms R892S.
Identifiers: ClinVar variation 4858427 (VCV004858427.1).